The following is an entry in ClinVar:

ClinVar aggregate classification (germline): Pathogenic (1 of 4 stars; one submission).

Conditions:
Neuronal ceroid lipofuscinosis 7 (CLN7). Also called: MFSD8-Related Neuronal Ceroid-Lipofuscinosis. Identifiers: Orphanet 168491, Orphanet 228366, MedGen C1838571, MONDO:0012588, OMIM 610951.

Submission:

Labcorp Genetics (formerly Invitae), Labcorp
Classification: Pathogenic for Neuronal ceroid lipofuscinosis 7. Last evaluated: 2023-02-02. Review status: criteria provided, single submitter. Criteria: Invitae Variant Classification Sherloc (09022015). Collection method: clinical testing. Allele origin: germline.
Comment: For these reasons, this variant has been classified as Pathogenic. ClinVar contains an entry for this variant (Variation ID: 1073549). This variant has not been reported in the literature in individuals affected with MFSD8-related conditions. This variant is not present in population databases (gnomAD no frequency). This sequence change creates a premature translational stop signal (p.Asn371Lysfs*43) in the MFSD8 gene. It is expected to result in an absent or disrupted protein product. Loss-of-function variants in MFSD8 are known to be pathogenic (PMID: 19177532, 25227500, 28586915).

Literature cited by the submitters: PubMed 19177532; PubMed 25227500; PubMed 28586915.

NM_001371596.2(MFSD8):c.1113del (p.Asn371fs)

Gene: MFSD8 (major facilitator superfamily domain containing 8; minus strand). Cytogenetic location: 4q28.2.
Variant type: Deletion.
Coding change: c.1113del on transcript NM_001371596.2 (MANE Select); coding-DNA position 1113, one base deleted (T; older notation c.1113delT).
Protein change: p.Asn371fs; shifts the reading frame from asparagine 371.
Molecular consequence: frameshift variant. On other transcripts: stop lost (1).
Genome position (GRCh38, 1-based): chr4:127,921,761, A deleted on the plus strand (T on the coding strand, the reverse complement: MFSD8 is on the minus strand). VCF-style (leftmost placement, unchanged base first): chr4-127921760-TA-T. GRCh37 (hg19) VCF-style: chr4-128842915-TA-T.
Other names: c.912delT, p.Asn304Lysfs (NM_001363520.3); c.798delT, p.Asn266Lysfs (NM_001363521.3); c.978delT, p.Asn326Lysfs (NM_001371590.2); c.1113delT, p.Asn371Lysfs (NM_001371591.2); c.1119delT, p.Asn373Lysfs (NM_001371592.2); c.999delT, p.Asn333Lysfs (NM_001371593.2); c.966delT, p.Asn322Lysfs (NM_001371594.2); c.831del, p.Asn277fs (NM_001371595.1); and 3 more; short protein forms N266fs, N277fs, N304fs, N322fs, N326fs, N333fs, N371fs, N373fs.
Identifiers: ClinVar variation 1073549 (VCV001073549.6), dbSNP rs2148840426, ClinGen allele CA2499217084.
Genomic context (GRCh38, chr4:127,921,760, plus strand): 5'-CCATTGGAGACTTCCAAAGACCAATAATAATTTCCCCAAATGTGGTATTAGGGATTGAAT[TA>T]TTGTGCAAATCTGTAAAAACAAAACCATTGCAGTGCATTACTTGTTGATTTTAGATAAAT-3'